The following is an entry in ClinVar:

NM_001040108.2(MLH3):c.989T>C (p.Phe330Ser)

Gene: MLH3 (mutL homolog 3; minus strand). Cytogenetic location: 14q24.3.
Variant type: single nucleotide variant.
Coding change: c.989T>C on transcript NM_001040108.2 (MANE Select); coding-DNA position 989, T replaced by C.
Protein change: p.Phe330Ser; replaces phenylalanine 330 with serine.
Molecular consequence: missense variant.
Genome position (GRCh38, 1-based): chr14:75,048,667, A>G on the plus strand (T>C on the coding strand, the complement: MLH3 is on the minus strand). VCF-style: chr14-75048667-A-G. GRCh37 (hg19) VCF-style: chr14-75515370-A-G.
Other names: c.989T>C, p.Phe330Ser (NM_014381.3); short protein forms F330S.
Identifiers: ClinVar variation 5024631 (VCV005024631.1).
Genomic context (GRCh38, chr14:75,048,667, plus strand): 5'-TGCTTTAAAAACATTTTCACTCCTTCCTGAATGCAAAACAAGAGAGTGTCCCAGTTCTGA[A>G]ATTCAATCAGAGTTTTGGCTGGCTCCATGCACACATCATACTCACAGAATTGGCACTGCA-3'
Protein context (NP_001035197.1, residues 320-340): CMEPAKTLIE[Phe330Ser]QNWDTLLFCI

ClinVar aggregate classification (germline): Uncertain significance (1 of 4 stars; one submission).

Submission:

Ambry Genetics
Classification: Uncertain significance. Last evaluated: 2026-08-16. Review status: criteria provided, single submitter. Criteria: Ambry Variant Classification Scheme 2023. Collection method: clinical testing. Allele origin: germline.
Comment: The p.F330S variant (also known as c.989T>C), located in coding exon 1 of the MLH3 gene, results from a T to C substitution at nucleotide position 989. The phenylalanine at codon 330 is replaced by serine, an amino acid with highly dissimilar properties. This amino acid position is conserved. In addition, this alteration is predicted to be deleterious by in silico analysis. Based on the available evidence, the clinical significance of this variant remains unclear.